The following is an entry in ClinVar:

ClinVar aggregate classification (germline): Uncertain significance (1 of 4 stars; one submission).

Conditions:
Cardiovascular phenotype. Identifiers: MedGen CN230736.

Submission:

Ambry Genetics
Classification: Uncertain significance for Cardiovascular phenotype. Last evaluated: 2021-11-28. Review status: criteria provided, single submitter. Criteria: Ambry Variant Classification Scheme 2023. Collection method: clinical testing. Allele origin: germline.
Comment: The p.A472V variant (also known as c.1415C>T), located in coding exon 5 of the ALPK3 gene, results from a C to T substitution at nucleotide position 1415. The alanine at codon 472 is replaced by valine, an amino acid with similar properties. This amino acid position is conserved. In addition, this alteration is predicted to be tolerated by in silico analysis. Since supporting evidence is limited at this time, the clinical significance of this alteration remains unclear.

NM_020778.5(ALPK3):c.809C>T (p.Ala270Val)

Gene: ALPK3 (alpha kinase 3; plus strand). Cytogenetic location: 15q25.3.
Variant type: single nucleotide variant.
Coding change: c.809C>T on transcript NM_020778.5 (MANE Select); coding-DNA position 809, C replaced by T.
Protein change: p.Ala270Val; replaces alanine 270 with valine.
Molecular consequence: missense variant.
Genome position (GRCh38, 1-based): chr15:84,840,088, C>T. VCF-style: chr15-84840088-C-T. GRCh37 (hg19) VCF-style: chr15-85383319-C-T.
Other names: short protein forms A270V.
Identifiers: ClinVar variation 1772117 (VCV001772117.2), dbSNP rs2505705484, ClinGen allele CA393373551.